The following is an entry in ClinVar:

ClinVar aggregate classification (germline): Uncertain significance. Review status: criteria provided, multiple submitters, no conflicts (2 of 4 stars). 3 submissions from 3 submitters: Uncertain significance (3). Last evaluated 2024-01-04.

Conditions:
Inborn genetic diseases. Identifiers: MedGen C0950123, MeSH D030342.
Ehlers-Danlos syndrome, dermatosparaxis type. Also called: Ehlers-Danlos syndrome, type VII, autosomal recessive; EDS VIIC; Dermatosparaxis. Identifiers: Orphanet 1901, MedGen C2700425, MONDO:0009161, OMIM 225410.

Allele frequency attached by ClinVar (database versions not stated): gnomAD exomes 0.00001.
gnomAD v4.1: 7 of 1,112,110 alleles (0.00063%); highest among the groups gnomAD compares: Non-Finnish European, 0.00076%; no homozygotes.

Submissions (3):

Ambry Genetics
Classification: Uncertain significance for Inborn genetic diseases. Last evaluated: 2024-01-04. Review status: criteria provided, single submitter. Criteria: Ambry Variant Classification Scheme 2023. Collection method: clinical testing. Allele origin: germline.

Labcorp Genetics (formerly Invitae), Labcorp
Classification: Uncertain significance for Ehlers-Danlos syndrome, dermatosparaxis type. Last evaluated: 2021-09-24. Review status: criteria provided, single submitter. Criteria: Invitae Variant Classification Sherloc (09022015). Collection method: clinical testing. Allele origin: germline.
Comment: This sequence change replaces proline with histidine at codon 45 of the ADAMTS2 protein (p.Pro45His). The proline residue is moderately conserved and there is a moderate physicochemical difference between proline and histidine. The frequency data for this variant in the population databases is considered unreliable, as metrics indicate insufficient coverage at this position in the ExAC database. This variant has not been reported in the literature in individuals with ADAMTS2-related conditions. ClinVar contains an entry for this variant (Variation ID: 903919). Algorithms developed to predict the effect of missense changes on protein structure and function are either unavailable or do not agree on the potential impact of this missense change (SIFT: "Tolerated"; PolyPhen-2: "Not Available"; Align-GVGD: "Class C0"). In summary, the available evidence is currently insufficient to determine the role of this variant in disease. Therefore, it has been classified as a Variant of Uncertain Significance.

Illumina Laboratory Services, Illumina
Classification: Uncertain significance for Ehlers-Danlos syndrome, dermatosparaxis type. Last evaluated: 2018-01-12. Review status: criteria provided, single submitter. Criteria: ICSL Variant Classification Criteria 13 December 2019. Collection method: clinical testing. Allele origin: germline.

NM_014244.5(ADAMTS2):c.134C>A (p.Pro45His)

Gene: ADAMTS2 (ADAM metallopeptidase with thrombospondin type 1 motif 2; minus strand). Cytogenetic location: 5q35.3.
Variant type: single nucleotide variant.
Coding change: c.134C>A on transcript NM_014244.5 (MANE Select); coding-DNA position 134, C replaced by A.
Protein change: p.Pro45His; replaces proline 45 with histidine.
Molecular consequence: missense variant.
Genome position (GRCh38, 1-based): chr5:179,345,195, G>T on the plus strand (C>A on the coding strand, the complement: ADAMTS2 is on the minus strand). VCF-style: chr5-179345195-G-T. GRCh37 (hg19) VCF-style: chr5-178772196-G-T.
Other names: c.134C>A, p.Pro45His (NM_021599.4); short protein forms P45H.
Identifiers: ClinVar variation 903919 (VCV000903919.9), dbSNP rs1250691659, ClinGen allele CA362623721.